The following is an entry in ClinVar:

ClinVar aggregate classification (germline): Uncertain significance (1 of 4 stars; one submission).

Allele frequency attached by ClinVar (database versions not stated): TOPMed below 0.00001.

Submission:

GeneDx
Classification: Uncertain significance. Last evaluated: 2022-05-24. Review status: criteria provided, single submitter. Criteria: GeneDx Variant Classification Process June 2021. Collection method: clinical testing. Allele origin: germline. Affected: yes.
Comment: Not observed at significant frequency in large population cohorts (gnomAD); Nonsense variant predicted to result in protein truncation or nonsense mediated decay in a gene or region of a gene for which loss of function is not a well-established mechanism of disease; Has not been previously published as pathogenic or benign to our knowledge

NM_002055.5(GFAP):c.1048C>T (p.Gln350Ter)

Gene: GFAP (glial fibrillary acidic protein; minus strand). Cytogenetic location: 17q21.31.
Variant type: single nucleotide variant.
Coding change: c.1048C>T on transcript NM_002055.5 (MANE Select); coding-DNA position 1048, C replaced by T.
Protein change: p.Gln350Ter; replaces glutamine 350 with a stop codon.
Molecular consequence: nonsense.
Genome position (GRCh38, 1-based): chr17:44,911,315, G>A on the plus strand (C>T on the coding strand, the complement: GFAP is on the minus strand). VCF-style: chr17-44911315-G-A. GRCh37 (hg19) VCF-style: chr17-42988683-G-A.
Other names: c.1048C>T, p.Gln350Ter (NM_001131019.3, NM_001242376.3, NM_001363846.2); short protein forms Q350*.
Identifiers: ClinVar variation 1800967 (VCV001800967.1), dbSNP rs2051757605, ClinGen allele CA399843734.